The following is an entry in ClinVar:

ClinVar aggregate classification (germline): Uncertain significance (1 of 4 stars; one submission).

Conditions:
Hereditary cancer-predisposing syndrome. Also called: Neoplastic Syndromes, Hereditary; Tumor predisposition; Hereditary Cancer Syndrome; Hereditary neoplastic syndrome. Identifiers: Orphanet 140162, MedGen C0027672, MeSH D009386, MONDO:0015356.

Submission:

Ambry Genetics
Classification: Uncertain significance for Hereditary cancer-predisposing syndrome. Last evaluated: 2026-07-16. Review status: criteria provided, single submitter. Criteria: Ambry Variant Classification Scheme 2023. Collection method: clinical testing. Allele origin: germline.
Comment: The p.D1802V variant (also known as c.5405A>T), located in coding exon 41 of the TSC2 gene, results from an A to T substitution at nucleotide position 5405. The aspartic acid at codon 1802 is replaced by valine, an amino acid with highly dissimilar properties. This amino acid position is highly conserved in available vertebrate species. In addition, this alteration is predicted to be deleterious by in silico analysis. Based on the available evidence, the clinical significance of this variant remains unclear.

NM_000548.5(TSC2):c.5405A>T (p.Asp1802Val)

Gene: TSC2 (TSC complex subunit 2; plus strand). Cytogenetic location: 16p13.3.
Variant type: single nucleotide variant.
Coding change: c.5405A>T on transcript NM_000548.5 (MANE Select); coding-DNA position 5405, A replaced by T.
Protein change: p.Asp1802Val; replaces aspartic acid 1802 with valine.
Molecular consequence: missense variant. On other transcripts: non-coding transcript variant (5).
Genome position (GRCh38, 1-based): chr16:2,088,591, A>T. VCF-style: chr16-2088591-A-T. GRCh37 (hg19) VCF-style: chr16-2138592-A-T.
Other names: c.3863A>T, p.Asp1288Val (NM_001406693.1, NM_001406694.1, NM_001406692.1); c.3860A>T, p.Asp1287Val (NM_001406695.1, NM_001406696.1, NM_001406697.1); c.3602A>T, p.Asp1201Val (NM_001406698.1); c.5276A>T, p.Asp1759Val (NM_021055.3); c.5273A>T, p.Asp1758Val (NM_001370404.1); c.5264A>T, p.Asp1755Val (NM_001370405.1); c.5402A>T, p.Asp1801Val (NM_001406663.1); c.5333A>T, p.Asp1778Val (NM_001406664.1); and 27 more; short protein forms D1201V, D1287V, D1288V, D1310V, D1311V, D1331V, D1535V, D1536V.
Identifiers: ClinVar variation 3232196 (VCV003232196.2), dbSNP rs2091218851, ClinGen allele CA394316195.